The following is an entry in ClinVar:

ClinVar aggregate classification (germline): Benign (0 of 4 stars; one submission).

Conditions:
SMURF2-related disorder. Also called: SMURF2-related condition.

Submission:

PreventionGenetics, part of Exact Sciences
Classification: Benign for SMURF2-related condition. Last evaluated: 2020-01-08. Review status: no assertion criteria provided. Collection method: clinical testing. Allele origin: germline.
Comment: This variant is classified as benign based on ACMG/AMP sequence variant interpretation guidelines (Richards et al. 2015 PMID: 25741868, with internal and published modifications).

NM_022739.4(SMURF2):c.-33CCCGCCGCC[2]

Genes: SMURF2 (SMAD specific E3 ubiquitin protein ligase 2; minus strand), LOC130061444 (ATAC-STARR-seq lymphoblastoid silent region 8845; plus strand). Cytogenetic location: 17q24.1.
Variant type: Microsatellite.
Coding change: c.-33CCCGCCGCC[2] on transcript NM_022739.4 (MANE Select); two copies in a row of the 9-base unit CCCGCCGCC starting at c.-33; the reference has three copies in a row; one copy, 9 bases deleted.
Molecular consequence: 5 prime UTR variant.
Genome position (GRCh38, 1-based): chr17:64,661,887-64,661,895, GGCGGCGGG deleted on the plus strand (CCCGCCGCC on the coding strand, the reverse complement: SMURF2 is on the minus strand); deleting any 9 consecutive bases within chr17:64,661,887-64,661,913 gives the same sequence; the position shown is the placement nearest the transcript's 3' end. VCF-style (leftmost placement, unchanged base first): chr17-64661886-CGGCGGCGGG-C. GRCh37 (hg19) VCF-style: chr17-62658004-CGGCGGCGGG-C.
Identifiers: ClinVar variation 3042354 (VCV003042354.2), dbSNP rs544040158, ClinGen allele CA8715267.